The following is an entry in ClinVar:

NM_001355436.2(SPTB):c.6173C>T (p.Thr2058Met)

Gene: SPTB (spectrin beta, erythrocytic; minus strand). Cytogenetic location: 14q23.3.
Variant type: single nucleotide variant.
Coding change: c.6173C>T on transcript NM_001355436.2 (MANE Select); coding-DNA position 6173, C replaced by T.
Protein change: p.Thr2058Met; replaces threonine 2058 with methionine.
Molecular consequence: missense variant.
Genome position (GRCh38, 1-based): chr14:64,767,709, G>A on the plus strand (C>T on the coding strand, the complement: SPTB is on the minus strand). VCF-style: chr14-64767709-G-A. GRCh37 (hg19) VCF-style: chr14-65234427-G-A.
Other names: c.6173C>T, p.Thr2058Met (NM_001024858.4, NM_001355437.2); short protein forms T2058M.
Identifiers: ClinVar variation 996355 (VCV000996355.3), dbSNP rs756849461, ClinGen allele CA7229750.
Genomic context (GRCh38, chr14:64,767,709, plus strand): 5'-TGTTCCCTGCTCACCGTGGTGGGCTTCTCCAGGGCAGCAAAGCGCTCTGCCCAGCTGGCC[G>A]TGGACTTCTCAAAAGCCTCATGCCTCTTGATGAGCTTCTCCACACTGTCCACTGTGTGTC-3'
Protein context (NP_001342365.1, residues 2048-2068): IKRHEAFEKS[Thr2058Met]ASWAERFAAL

ClinVar aggregate classification (germline): Uncertain significance. Review status: criteria provided, multiple submitters, no conflicts (2 of 4 stars). 2 submissions from 2 submitters: Uncertain significance (2). Last evaluated 2023-08-18.

Allele frequency attached by ClinVar (database versions not stated): gnomAD 0.00001; TOPMed 0.00003; ExAC 0.00004; gnomAD exomes 0.00002.
gnomAD v4.1: 15 of 1,614,046 alleles (0.00093%); highest among the groups gnomAD compares: Middle Eastern, 0.016%; no homozygotes.

Submissions (2):

Revvity Omics, Revvity
Classification: Uncertain significance. Last evaluated: 2023-08-18. Review status: criteria provided, single submitter. Criteria: ACMG Guidelines, 2015. Collection method: clinical testing. Allele origin: germline.

MVZ Dr. Eberhard & Partner Dortmund
Classification: Uncertain significance. Last evaluated: 2020-01-17. Review status: criteria provided, single submitter. Criteria: ACMG Guidelines, 2015. Collection method: clinical testing. Allele origin: unknown. Observed: 1 heterozygote.
Comment: The variant is at low frequency in gnomAD (6 of 251458 alleles). It is a missense variant in a gene with a low rate of benign missense variation where missense variants are a common mechanism of disease. A mutation for p.A2059P concerning the next codon is associated with Pyropoikilocytosis (see HGMD). There is some computational evidence supporting a deleterous effect on the gene or ist product. SIFT (v6.2.0): deleterious (score 0, median 3.69) MutationTaster (v2013): diesease causing (prob 1); Polyphen: possibly damaging (HumDiv: 0,945 and HumVa: 0,745; no species with Met at Codon 2058); russelllab: aminoacid change neutral in membrane protein, in others disfavoured.